The following is an entry in ClinVar:

ClinVar aggregate classification (germline): Conflicting classifications of pathogenicity. Review status: criteria provided, conflicting classifications (1 of 4 stars). 3 submissions from 3 submitters: Uncertain significance (2); Likely benign (1). Last evaluated 2025-10-22.

Conditions:
Emery-Dreifuss muscular dystrophy 5, autosomal dominant (EDMD5). Also called: EMERY-DREIFUSS MUSCULAR DYSTROPHY 5. Identifiers: Orphanet 261, MedGen C2751805, MONDO:0013072, OMIM 612999.

Allele frequency attached by ClinVar (database versions not stated): ExAC 0.00004; gnomAD 0.00004 and 0.00002; TOPMed 0.00006; gnomAD exomes 0.00007 and 0.00006; ESP Exome Variant Server 0.00015; 1000 Genomes Project 30x 0.00031; 1000 Genomes Project 0.00040.
gnomAD v4.1: 123 of 1,613,960 alleles (0.0076%); highest among the groups gnomAD compares: Middle Eastern, 0.13%; no homozygotes.

Submissions (3):

Labcorp Genetics (formerly Invitae), Labcorp
Classification: Uncertain significance for Emery-Dreifuss muscular dystrophy 5, autosomal dominant. Last evaluated: 2025-10-22. Review status: criteria provided, single submitter. Criteria: Invitae Variant Classification Sherloc (09022015). Collection method: clinical testing. Allele origin: germline.
Comment: This sequence change replaces valine, which is neutral and non-polar, with methionine, which is neutral and non-polar, at codon 5289 of the SYNE2 protein (p.Val5289Met). This variant is present in population databases (rs181059522, gnomAD 0.02%). This variant has not been reported in the literature in individuals affected with SYNE2-related conditions. ClinVar contains an entry for this variant (Variation ID: 313613). An algorithm developed to predict the effect of missense changes on protein structure and function outputs the following: PolyPhen-2: "Benign". The methionine amino acid residue is found in multiple mammalian species, which suggests that this missense change does not adversely affect protein function. In summary, the available evidence is currently insufficient to determine the role of this variant in disease. Therefore, it has been classified as a Variant of Uncertain Significance.

Dasa
Classification: Uncertain significance. Last evaluated: 2025-09-19. Review status: criteria provided, single submitter. Criteria: DASA Assertion Criteria. Collection method: clinical testing. Allele origin: germline.
Comment: NM_182914.3(SYNE2):c.15865G>A (p.Val5289Met) is a missense variant that results in the substitution of valine with methionine. This variant is rare in population databases. Computational prediction algorithms are consistent with a benign effect. The currently available literature and clinical evidence are not sufficient to establish a definitive association between this variant and the reported condition. Therefore, this variant is classified as a variant of uncertain significance.

Illumina Laboratory Services, Illumina
Classification: Likely benign for Emery-Dreifuss muscular dystrophy 5, autosomal dominant. Last evaluated: 2018-01-13. Review status: criteria provided, single submitter. Criteria: ICSL Variant Classification Criteria 13 December 2019. Collection method: clinical testing. Allele origin: germline.
Comment: This variant was observed in the ICSL laboratory as part of a predisposition screen in an ostensibly healthy population. It had not been previously curated by ICSL or reported in the Human Gene Mutation Database (HGMD: prior to June 1st, 2018), and was therefore a candidate for classification through an automated scoring system. Utilizing variant allele frequency, disease prevalence and penetrance estimates, and inheritance mode, an automated score was calculated to assess if this variant is too frequent to cause the disease. Based on the score and internal cut-off values, a variant classified as likely benign is not then subjected to further curation. The score for this variant resulted in a classification of likely benign for this disease.

NM_182914.3(SYNE2):c.15865G>A (p.Val5289Met)

Gene: SYNE2 (spectrin repeat containing nuclear envelope protein 2; plus strand). Cytogenetic location: 14q23.2.
Variant type: single nucleotide variant.
Coding change: c.15865G>A on transcript NM_182914.3 (MANE Select); coding-DNA position 15865, G replaced by A.
Protein change: p.Val5289Met; replaces valine 5289 with methionine.
Molecular consequence: missense variant.
Genome position (GRCh38, 1-based): chr14:64,158,697, G>A. VCF-style: chr14-64158697-G-A. GRCh37 (hg19) VCF-style: chr14-64625415-G-A.
Other names: c.15865G>A, p.Val5289Met (NM_015180.6); short protein forms V5289M.
Identifiers: ClinVar variation 313613 (VCV000313613.14), dbSNP rs181059522, ClinGen allele CA7223208.